The following is an entry in ClinVar:

NM_001374504.1(TMPRSS6):c.1342+1G>A

Gene: TMPRSS6 (transmembrane serine protease 6; minus strand). Cytogenetic location: 22q12.3.
Variant type: single nucleotide variant.
Coding change: c.1342+1G>A on transcript NM_001374504.1 (MANE Select); the canonical splice donor site of the intron after coding-DNA position 1342, G replaced by A.
Molecular consequence: splice donor variant.
Genome position (GRCh38, 1-based): chr22:37,075,134, C>T on the plus strand (G>A on the coding strand, the complement: TMPRSS6 is on the minus strand). VCF-style: chr22-37075134-C-T. GRCh37 (hg19) VCF-style: chr22-37471174-C-T.
Other names: c.1342+1G>A (NM_001289000.2, NM_001289001.2, NM_153609.4).
Identifiers: ClinVar variation 2906057 (VCV002906057.3), dbSNP rs918426003, ClinGen allele CA324050174.
Genomic context (GRCh38, chr22:37,075,134, plus strand): 5'-CCAGGGATGGCCAAGAGGCAGCGAGTCACTGCAGGGGGTTCCCCCGGCTGCCCATACTCA[C>T]GGTCCGACTGGTTGTACAAGCCATAGTGCACCCGCACACCGGGCCCGGTGAGGGAGATCT-3'

ClinVar aggregate classification (germline): Pathogenic/Likely pathogenic. Review status: criteria provided, multiple submitters, no conflicts (2 of 4 stars). 2 submissions from 2 submitters: Pathogenic (1); Likely pathogenic (1). Last evaluated 2025-05-12.

Conditions:
Iron-refractory iron deficiency anemia (IRIDA). Also called: PSEUDO-IRON-DEFICIENCY ANEMIA; IRIDA syndrome; IRON-HANDLING DISORDER, HEREDITARY; ANEMIA, HYPOCHROMIC MICROCYTIC, WITH DEFECT IN IRON METABOLISM. Identifiers: Orphanet 209981, MedGen C0085576, MONDO:0008788, OMIM 206200. Disease mechanism: loss of function.

Allele frequency attached by ClinVar (database versions not stated): gnomAD exomes below 0.00001; gnomAD 0.00002; TOPMed 0.00002.
gnomAD v4.1: 10 of 1,613,634 alleles (0.00062%); highest among the groups gnomAD compares: Middle Eastern, 0.016%; no homozygotes.

Submissions (2):

Labcorp Genetics (formerly Invitae), Labcorp
Classification: Pathogenic. Last evaluated: 2025-05-12. Review status: criteria provided, single submitter. Criteria: Invitae Variant Classification Sherloc (09022015). Collection method: clinical testing. Allele origin: germline.
Comment: This sequence change affects a donor splice site in intron 11 of the TMPRSS6 gene. It is expected to disrupt RNA splicing. Variants that disrupt the donor or acceptor splice site typically lead to a loss of protein function (PMID: 16199547), and loss-of-function variants in TMPRSS6 are known to be pathogenic (PMID: 20232450, 25156943). This variant is present in population databases (no rsID available, gnomAD 0.01%). Disruption of this splice site has been observed in individual(s) with iron-refractory iron deficiency anemia (internal data). In at least one individual the data is consistent with being in trans (on the opposite chromosome) from a pathogenic variant. ClinVar contains an entry for this variant (Variation ID: 2906057). Algorithms developed to predict the effect of sequence changes on RNA splicing suggest that this variant may disrupt the consensus splice site. For these reasons, this variant has been classified as Pathogenic.

Department of Pathology and Laboratory Medicine, Sinai Health System
Classification: Likely pathogenic for IRIDA syndrome. Last evaluated: 2022-11-29. Review status: criteria provided, single submitter. Criteria: ACMG Guidelines, 2015. Collection method: research. Allele origin: germline.

Literature cited by the submitters: PubMed 16199547 (cited by Labcorp Genetics (formerly Invitae), Labcorp); PubMed 20232450 (cited by Labcorp Genetics (formerly Invitae), Labcorp); PubMed 25156943 (cited by Labcorp Genetics (formerly Invitae), Labcorp).